The following is an entry in ClinVar:

NM_001184880.2(PCDH19):c.457_458delinsAT (p.Ala153Ile)

Gene: PCDH19 (protocadherin 19; minus strand). Cytogenetic location: Xq22.1.
Variant type: Indel.
Coding change: c.457_458delinsAT on transcript NM_001184880.2 (MANE Select); coding-DNA positions 457 to 458, GC replaced by AT.
Protein change: p.Ala153Ile; replaces alanine 153 with isoleucine.
Molecular consequence: missense variant.
Genome position (GRCh38, 1-based): chrX:100,408,140-100,408,141, GC replaced by AT on the plus strand (GC replaced by AT on the coding strand, the reverse complement: PCDH19 is on the minus strand). VCF-style: chrX-100408140-GC-AT. GRCh37 (hg19) VCF-style: chrX-99663138-GC-AT.
Other names: c.457_458delinsAT, p.Ala153Ile (NM_001105243.2, NM_020766.3); short protein forms A153I.
Identifiers: ClinVar variation 216981 (VCV000216981.8), dbSNP rs863224907, ClinGen allele CA278967.

ClinVar aggregate classification (germline): Conflicting classifications of pathogenicity. Review status: criteria provided, conflicting classifications (1 of 4 stars). 3 submissions from 3 submitters: Likely pathogenic (1); Uncertain significance (2). Last evaluated 2026-02-04.

Conditions:
Developmental and epileptic encephalopathy, 9 (DEE9). Also called: JUBERG-HELLMAN SYNDROME; Early infantile epileptic encephalopathy 9; PCDH19-Related X-Linked Female-Limited Epilepsy with Mental Retardation; EPILEPSY, FEMALE-RESTRICTED, WITH MENTAL RETARDATION. Identifiers: Orphanet 101039, Orphanet 2076, MedGen C1848137, MONDO:0010246, OMIM 300088. Disease mechanism: loss of function.

Submissions (3):

GeneDx
Classification: Uncertain significance. Last evaluated: 2026-02-04. Review status: criteria provided, single submitter. Criteria: GeneDx Variant Classification Process June 2021. Collection method: clinical testing. Allele origin: germline.
Comment: In silico analysis supports a deleterious effect on protein structure/function; Not observed at significant frequency in large population cohorts (gnomAD); This variant is associated with the following publications: (PMID: 25326637)

Labcorp Genetics (formerly Invitae), Labcorp
Classification: Uncertain significance for Developmental and epileptic encephalopathy, 9. Last evaluated: 2023-08-10. Review status: criteria provided, single submitter. Criteria: Invitae Variant Classification Sherloc (09022015). Collection method: clinical testing. Allele origin: germline.
Comment: This missense change has been observed in individual(s) with clinical features of developmental and epileptic encephalopathy (PMID: 25326637). ClinVar contains an entry for this variant (Variation ID: 216981). An algorithm developed to predict the effect of missense changes on protein structure and function (PolyPhen-2) suggests that this variant is likely to be disruptive. In summary, the available evidence is currently insufficient to determine the role of this variant in disease. Therefore, it has been classified as a Variant of Uncertain Significance. Information on the frequency of this variant in the gnomAD database is not available, as this variant may be reported differently in the database. This sequence change replaces alanine, which is neutral and non-polar, with isoleucine, which is neutral and non-polar, at codon 153 of the PCDH19 protein (p.Ala153Ile).

UCLA Clinical Genomics Center, UCLA
Classification: Likely pathogenic for Early infantile epileptic encephalopathy 9. Last evaluated: 2014-08-12. Review status: criteria provided, single submitter. Criteria: Lee et al. (JAMA. 2014). Collection method: clinical testing. Allele origin: unknown. Inheritance: Other. Affected: yes. Study: CES.

Literature cited by the submitters: PubMed 25326637 (cited by Labcorp Genetics (formerly Invitae), Labcorp).